The following is an entry in ClinVar:

ClinVar aggregate classification (germline): Pathogenic (1 of 4 stars; one submission).

Submission:

CeGaT Center for Human Genetics Tuebingen
Classification: Pathogenic. Last evaluated: 2025-06-01. Review status: criteria provided, single submitter. Criteria: CeGaT Center For Human Genetics Tuebingen Variant Classification Criteria Version 2. Collection method: clinical testing. Allele origin: germline. Affected: yes. Observed: 1 variant allele.
Comment: SLC6A8: PVS1, PM2

NM_005629.4(SLC6A8):c.1289_1299del (p.Leu430fs)

Gene: SLC6A8 (solute carrier family 6 member 8; plus strand). Cytogenetic location: Xq28.
Variant type: Deletion.
Coding change: c.1289_1299del on transcript NM_005629.4 (MANE Select); coding-DNA positions 1289 to 1299, 11 bases deleted (TCGACCTCCTC).
Protein change: p.Leu430fs; shifts the reading frame from leucine 430.
Molecular consequence: frameshift variant.
Genome position (GRCh38, 1-based): chrX:153,694,164-153,694,174, TCGACCTCCTC deleted; deleting any 11 consecutive bases within chrX:153,694,163-153,694,174 gives the same sequence; the c. name uses the placement nearest the transcript's 3' end. VCF-style (leftmost placement, unchanged base first): chrX-153694162-CCTCGACCTCCT-C. GRCh37 (hg19) VCF-style: chrX-152959617-CCTCGACCTCCT-C.
Other names: c.1259_1269del, p.Leu420fs (NM_001142805.2); c.944_954del, p.Leu315fs (NM_001142806.1); short protein forms L315fs, L420fs, L430fs.
Identifiers: ClinVar variation 1013086 (VCV001013086.38), dbSNP rs2091474187, ClinGen allele CA2466438209.